The following is an entry in ClinVar:

ClinVar aggregate classification (germline): Conflicting classifications of pathogenicity. Review status: criteria provided, conflicting classifications (1 of 4 stars). 5 submissions from 5 submitters: Uncertain significance (2); Likely benign (2). 1 of the submissions does not count toward it. Last evaluated 2025-11-30.

Conditions:
FBN2-related disorder. Also called: FBN2-related condition.
Congenital contractural arachnodactyly (CCA). Also called: Beals-Hecht syndrome; BEALS SYNDROME; Arthrogryposis, distal, type 9. Identifiers: Orphanet 115, MedGen C0220668, MONDO:0007363, OMIM 121050.

Allele frequency attached by ClinVar (database versions not stated): TOPMed 0.00006; 1000 Genomes Project 30x 0.00031; 1000 Genomes Project 0.00040.
gnomAD v4.1: 83 of 1,613,964 alleles (0.0051%); highest among the groups gnomAD compares: Admixed American, 0.097%; no homozygotes.

Submissions (5):

Labcorp Genetics (formerly Invitae), Labcorp
Classification: Likely benign for Congenital contractural arachnodactyly. Last evaluated: 2025-11-30. Review status: criteria provided, single submitter. Criteria: Invitae Variant Classification Sherloc (09022015). Collection method: clinical testing. Allele origin: germline.

Women's Health and Genetics/Laboratory Corporation of America, LabCorp
Classification: Likely benign. Last evaluated: 2023-07-21. Review status: criteria provided, single submitter. Criteria: LabCorp Variant Classification Summary - May 2015. Collection method: clinical testing. Allele origin: germline.

GeneDx
Classification: Uncertain significance. Last evaluated: 2020-03-31. Review status: criteria provided, single submitter. Criteria: GeneDx Variant Classification Process June 2021. Collection method: clinical testing. Allele origin: germline. Affected: yes.
Comment: Has not been previously published as pathogenic or benign to our knowledge; In silico analysis supports that this missense variant has a deleterious effect on protein structure/function

Eurofins Ntd Llc (ga)
Classification: Uncertain significance. Last evaluated: 2016-08-19. Review status: criteria provided, single submitter. Criteria: EGL Classification Definitions 2015. Collection method: clinical testing. Allele origin: germline. Observed: 2 variant alleles, 2 heterozygotes.

PreventionGenetics, part of Exact Sciences
Classification: Likely benign for FBN2-related condition. Last evaluated: 2024-07-23. Review status: no assertion criteria provided. Collection method: clinical testing. Allele origin: germline. Not counted in ClinVar's aggregate classification.
Comment: This variant is classified as likely benign based on ACMG/AMP sequence variant interpretation guidelines (Richards et al. 2015 PMID: 25741868, with internal and published modifications).

NM_001999.4(FBN2):c.3710G>A (p.Arg1237His)

Gene: FBN2 (fibrillin 2; minus strand). Cytogenetic location: 5q23.3.
Variant type: single nucleotide variant.
Coding change: c.3710G>A on transcript NM_001999.4 (MANE Select); coding-DNA position 3710, G replaced by A.
Protein change: p.Arg1237His; replaces arginine 1237 with histidine.
Molecular consequence: missense variant.
Genome position (GRCh38, 1-based): chr5:128,336,002, C>T on the plus strand (G>A on the coding strand, the complement: FBN2 is on the minus strand). VCF-style: chr5-128336002-C-T. GRCh37 (hg19) VCF-style: chr5-127671694-C-T.
Other names: short protein forms R1237H.
Identifiers: ClinVar variation 213319 (VCV000213319.20), dbSNP rs142185964, ClinGen allele CA322240.
Genomic context (GRCh38, chr5:128,336,002, plus strand): 5'-CTGATTTGAGACATATGAGTTTCAGGCCTGCTTGGTCTCCCCTTACCTGTACAGCCCTGG[C>T]GGTCTGGCGTAGCCTGATATCCAGGATTGCAAGAGCACTGATAGGTTCCAATCATGTTCA-3'
Protein context (NP_001990.2, residues 1227-1247): CNPGYQATPD[Arg1237His]QGCTDIDECM